The following is an entry in ClinVar:

ClinVar aggregate classification (germline): Likely benign. Review status: criteria provided, multiple submitters, no conflicts (2 of 4 stars). 2 submissions from 2 submitters: Likely benign (2). Last evaluated 2025-05-06.

gnomAD v4.1: 10 of 1,613,848 alleles (0.00062%); highest among the groups gnomAD compares: Non-Finnish European, 0.00085%; no homozygotes.

Submissions (2):

Mayo Clinic Laboratories, Mayo Clinic
Classification: Likely benign. Last evaluated: 2025-05-06. Review status: criteria provided, single submitter. Criteria: ACMG Guidelines, 2015. Collection method: clinical testing. Allele origin: germline. Observed: 1 variant allele.
Comment: BP4, BP7, PM2_supporting

Blueprint Genetics
Classification: Likely benign. Last evaluated: 2020-02-21. Review status: criteria provided, single submitter. Criteria: ACMG Guidelines, 2015. Collection method: clinical testing. Allele origin: germline.

NM_183235.3(RAB27A):c.426A>G (p.Val142=)

Gene: RAB27A (RAB27A, member RAS oncogene family; minus strand). Cytogenetic location: 15q21.3.
Variant type: single nucleotide variant.
Coding change: c.426A>G on transcript NM_183235.3 (MANE Select); coding-DNA position 426, A replaced by G.
Protein change: p.Val142=; no amino-acid change (valine 142 retained).
Molecular consequence: synonymous variant.
Genome position (GRCh38, 1-based): chr15:55,223,930, T>C on the plus strand (A>G on the coding strand, the complement: RAB27A is on the minus strand). VCF-style: chr15-55223930-T-C. GRCh37 (hg19) VCF-style: chr15-55516128-T-C.
Other names: p.Val142=; c.426A>G, p.Val142= (NM_001438970.1, NM_001438972.1, NM_001438973.1 and 11 more transcripts).
Identifiers: ClinVar variation 4683983 (VCV004683983.2).